The following is an entry in ClinVar:

NM_032638.5(GATA2):c.1415C>A (p.Pro472Gln)

Gene: GATA2 (GATA binding protein 2; minus strand). Cytogenetic location: 3q21.3.
Variant type: single nucleotide variant.
Coding change: c.1415C>A on transcript NM_032638.5 (MANE Select); coding-DNA position 1415, C replaced by A.
Protein change: p.Pro472Gln; replaces proline 472 with glutamine.
Molecular consequence: missense variant.
Genome position (GRCh38, 1-based): chr3:128,481,047, G>T on the plus strand (C>A on the coding strand, the complement: GATA2 is on the minus strand). VCF-style: chr3-128481047-G-T. GRCh37 (hg19) VCF-style: chr3-128199890-G-T.
Other names: c.1415C>A (NM_032638.4); c.1415C>A, p.Pro472Gln (NM_001145661.2); c.1373C>A, p.Pro458Gln (NM_001145662.1); short protein forms P458Q, P472Q.
Identifiers: ClinVar variation 1504722 (VCV001504722.9), dbSNP rs779338723, ClinGen allele CA2599775.

ClinVar aggregate classification (germline): Uncertain significance. Review status: criteria provided, multiple submitters, no conflicts (2 of 4 stars). 2 submissions from 2 submitters: Uncertain significance (2). Last evaluated 2026-05-20.

Conditions:
Deafness-lymphedema-leukemia syndrome. Also called: Lymphedema, primary, with myelodysplasia; Emberger syndrome. Identifiers: Orphanet 3226, MedGen C3279664, MONDO:0013540, OMIM 614038.
Monocytopenia with susceptibility to infections. Also called: MONOCYTOPENIA AND MYCOBACTERIAL INFECTION SYNDROME; MONOCYTOPENIA WITH SUSCEPTIBILITY TO MYCOBACTERIAL, FUNGAL, AND PAPILLOMAVIRUS INFECTIONS AND MYELODYSPLASIA; COMBINED IMMUNODEFICIENCY WITH SUSCEPTIBILITY TO MYCOBACTERIAL, VIRAL, AND FUNGAL INFECTIONS; Dendritic cell, monocyte, B lymphocyte, and natural killer lymphocyte deficiency; IMMUNODEFICIENCY 21; GATA2 DEFICIENCY. Identifiers: Orphanet 228423, MedGen C3280030, MONDO:0013607, OMIM 614172.
Inborn genetic diseases. Identifiers: MedGen C0950123, MeSH D030342.

Allele frequency attached by ClinVar (database versions not stated): 1000 Genomes Project 30x 0.00031.

Submissions (2):

Ambry Genetics
Classification: Uncertain significance for Inborn genetic diseases. Last evaluated: 2026-05-20. Review status: criteria provided, single submitter. Criteria: Ambry Variant Classification Scheme 2023. Collection method: clinical testing. Allele origin: germline.
Comment: The p.P472Q variant (also known as c.1415C>A), located in coding exon 5 of the GATA2 gene, results from a C to A substitution at nucleotide position 1415. The proline at codon 472 is replaced by glutamine, an amino acid with similar properties. This amino acid position is not well conserved in available vertebrate species. In addition, the in silico prediction for this alteration is inconclusive. Based on the available evidence, the clinical significance of this variant remains unclear.

Labcorp Genetics (formerly Invitae), Labcorp
Classification: Uncertain significance for Monocytopenia with susceptibility to infections; Deafness-lymphedema-leukemia syndrome. Last evaluated: 2023-07-17. Review status: criteria provided, single submitter. Criteria: Invitae Variant Classification Sherloc (09022015). Collection method: clinical testing. Allele origin: germline.
Comment: In summary, the available evidence is currently insufficient to determine the role of this variant in disease. Therefore, it has been classified as a Variant of Uncertain Significance. Advanced modeling of protein sequence and biophysical properties (such as structural, functional, and spatial information, amino acid conservation, physicochemical variation, residue mobility, and thermodynamic stability) has been performed at Invitae for this missense variant, however the output from this modeling did not meet the statistical confidence thresholds required to predict the impact of this variant on GATA2 protein function. ClinVar contains an entry for this variant (Variation ID: 1504722). This variant has not been reported in the literature in individuals affected with GATA2-related conditions. The frequency data for this variant in the population databases is considered unreliable, as metrics indicate poor data quality at this position in the gnomAD database. This sequence change replaces proline, which is neutral and non-polar, with glutamine, which is neutral and polar, at codon 472 of the GATA2 protein (p.Pro472Gln).